The following is an entry in ClinVar:

NM_001111125.3(IQSEC2):c.1468G>C (p.Glu490Gln)

Gene: IQSEC2 (IQ motif and Sec7 domain ArfGEF 2; minus strand). Cytogenetic location: Xp11.22.
Variant type: single nucleotide variant.
Coding change: c.1468G>C on transcript NM_001111125.3 (MANE Select); coding-DNA position 1468, G replaced by C.
Protein change: p.Glu490Gln; replaces glutamic acid 490 with glutamine.
Molecular consequence: missense variant.
Genome position (GRCh38, 1-based): chrX:53,251,108, C>G on the plus strand (G>C on the coding strand, the complement: IQSEC2 is on the minus strand). VCF-style: chrX-53251108-C-G. GRCh37 (hg19) VCF-style: chrX-53280290-C-G.
Other names: c.1468G>C, p.Glu490Gln (NM_001410736.1); c.853G>C, p.Glu285Gln (NM_015075.2); short protein forms E285Q, E490Q.
Identifiers: ClinVar variation 2779790 (VCV002779790.3), dbSNP rs2519810851, ClinGen allele CA413166397.

ClinVar aggregate classification (germline): Uncertain significance (1 of 4 stars; one submission).

Conditions:
Intellectual developmental disorder, X-linked 1. Also called: Atkin Flaitz Patil Smith syndrome; Intellectual disability, X-linked 1; MENTAL RETARDATION, X-LINKED 18; MENTAL RETARDATION, X-LINKED 78. Identifiers: Orphanet 777, MedGen C2931498, MONDO:0010656, OMIM 309530.

Submission:

Labcorp Genetics (formerly Invitae), Labcorp
Classification: Uncertain significance for Intellectual developmental disorder, X-linked 1. Last evaluated: 2023-10-22. Review status: criteria provided, single submitter. Criteria: Invitae Variant Classification Sherloc (09022015). Collection method: clinical testing. Allele origin: germline.
Comment: This sequence change replaces glutamic acid, which is acidic and polar, with glutamine, which is neutral and polar, at codon 490 of the IQSEC2 protein (p.Glu490Gln). This variant is not present in population databases (gnomAD no frequency). This variant has not been reported in the literature in individuals affected with IQSEC2-related conditions. Advanced modeling of protein sequence and biophysical properties (such as structural, functional, and spatial information, amino acid conservation, physicochemical variation, residue mobility, and thermodynamic stability) performed at Invitae indicates that this missense variant is not expected to disrupt IQSEC2 protein function. In summary, the available evidence is currently insufficient to determine the role of this variant in disease. Therefore, it has been classified as a Variant of Uncertain Significance.